The following is an entry in ClinVar:

NM_006015.6(ARID1A):c.2296C>G (p.Gln766Glu)

Gene: ARID1A (AT-rich interaction domain 1A; plus strand). Cytogenetic location: 1p36.11.
Variant type: single nucleotide variant.
Coding change: c.2296C>G on transcript NM_006015.6 (MANE Select); coding-DNA position 2296, C replaced by G.
Protein change: p.Gln766Glu; replaces glutamine 766 with glutamic acid.
Molecular consequence: missense variant.
Genome position (GRCh38, 1-based): chr1:26,762,196, C>G. VCF-style: chr1-26762196-C-G. GRCh37 (hg19) VCF-style: chr1-27088687-C-G.
Other names: c.2296C>G, p.Gln766Glu (NM_139135.4); short protein forms Q766E.
Identifiers: ClinVar variation 3698046 (VCV003698046.2).

ClinVar aggregate classification (germline): Uncertain significance (1 of 4 stars; one submission).

gnomAD v4.1: 5 of 1,614,164 alleles (0.00031%); highest among the groups gnomAD compares: Non-Finnish European, 0.00042%; no homozygotes.

Submission:

Labcorp Genetics (formerly Invitae), Labcorp
Classification: Uncertain significance. Last evaluated: 2025-06-23. Review status: criteria provided, single submitter. Criteria: Invitae Variant Classification Sherloc (09022015). Collection method: clinical testing. Allele origin: germline.
Comment: This sequence change replaces glutamine, which is neutral and polar, with glutamic acid, which is acidic and polar, at codon 766 of the ARID1A protein (p.Gln766Glu). This variant is present in population databases (rs771230582, gnomAD 0.0009%). This variant has not been reported in the literature in individuals affected with ARID1A-related conditions. ClinVar contains an entry for this variant (Variation ID: 3698046). Invitae Evidence Modeling of protein sequence and biophysical properties (such as structural, functional, and spatial information, amino acid conservation, physicochemical variation, residue mobility, and thermodynamic stability) indicates that this missense variant is expected to disrupt ARID1A protein function with a positive predictive value of 80%. In summary, the available evidence is currently insufficient to determine the role of this variant in disease. Therefore, it has been classified as a Variant of Uncertain Significance.